The following is an entry in ClinVar:

NM_006031.6(PCNT):c.720+7C>T

Gene: PCNT (pericentrin; plus strand). Cytogenetic location: 21q22.3.
Variant type: single nucleotide variant.
Coding change: c.720+7C>T on transcript NM_006031.6 (MANE Select); 7 bases into the intron after coding-DNA position 720, C replaced by T.
Molecular consequence: intron variant.
Genome position (GRCh38, 1-based): chr21:46,346,215, C>T. VCF-style: chr21-46346215-C-T. GRCh37 (hg19) VCF-style: chr21-47766129-C-T.
Other names: c.720+7C>T (NM_006031.5); c.366+7C>T (NM_001315529.2).
Identifiers: ClinVar variation 3021270 (VCV003021270.4), dbSNP rs769263336, ClinGen allele CA10078370.
Genomic context (GRCh38, chr21:46,346,215, plus strand): 5'-ATTACTGACCTGGAGAGCGGCCGTGAAGATGAGGCTGGCCTGCATCAGAGTCAGGTGACC[C>T]GGCGGGGCCTGCACAGGCTCACAGCATGGGCTCTGTTATCCCCACAGGGCACAGTGGGCA-3'

ClinVar aggregate classification (germline): Likely benign. Review status: criteria provided, multiple submitters, no conflicts (2 of 4 stars). 2 submissions from 2 submitters: Likely benign (2). Last evaluated 2025-02-19.

Conditions:
PCNT-related disorder. Also called: PCNT-related condition.

Allele frequency attached by ClinVar (database versions not stated): gnomAD exomes 0.00001; ExAC 0.00002; gnomAD 0.00002; TOPMed 0.00002.
gnomAD v4.1: 15 of 1,459,668 alleles (0.001%); highest among the groups gnomAD compares: African/African-American, 0.0043%; no homozygotes.

Submissions (2):

PreventionGenetics, part of Exact Sciences
Classification: Likely benign for PCNT-related condition. Last evaluated: 2025-02-19. Review status: criteria provided, single submitter. Criteria: ACMG Guidelines, 2015. Collection method: clinical testing. Allele origin: germline.
Comment: This variant is classified as likely benign based on ACMG/AMP sequence variant interpretation guidelines (Richards et al. 2015 PMID: 25741868, with internal and published modifications).

Labcorp Genetics (formerly Invitae), Labcorp
Classification: Likely benign. Last evaluated: 2024-01-22. Review status: criteria provided, single submitter. Criteria: Invitae Variant Classification Sherloc (09022015). Collection method: clinical testing. Allele origin: germline.